The following is an entry in ClinVar:

NM_000038.6(APC):c.8138T>C (p.Met2713Thr)

Gene: APC (APC regulator of Wnt signaling pathway; plus strand). Cytogenetic location: 5q22.2.
Variant type: single nucleotide variant.
Coding change: c.8138T>C on transcript NM_000038.6 (MANE Select); coding-DNA position 8138, T replaced by C.
Protein change: p.Met2713Thr; replaces methionine 2713 with threonine.
Molecular consequence: missense variant.
Genome position (GRCh38, 1-based): chr5:112,843,732, T>C. VCF-style: chr5-112843732-T-C. GRCh37 (hg19) VCF-style: chr5-112179429-T-C.
Other names: c.8138T>C, p.Met2713Thr (NM_001127510.3, NM_001354895.2); c.8084T>C, p.Met2695Thr (NM_001127511.3); c.8192T>C, p.Met2731Thr (NM_001354896.2); c.8168T>C, p.Met2723Thr (NM_001354897.2); c.8063T>C, p.Met2688Thr (NM_001354898.2); c.8054T>C, p.Met2685Thr (NM_001354899.2); c.8015T>C, p.Met2672Thr (NM_001354900.2); c.7961T>C, p.Met2654Thr (NM_001354901.2); and 5 more; short protein forms M2695T, M2713T, M2430T, M2553T, M2654T, M2587T, M2688T, M2622T.
Identifiers: ClinVar variation 470132 (VCV000470132.10), dbSNP rs1479889029, ClinGen allele CA16039005.

ClinVar aggregate classification (germline): Uncertain significance. Review status: criteria provided, multiple submitters, no conflicts (2 of 4 stars). 3 submissions from 3 submitters: Uncertain significance (3). Last evaluated 2025-07-30.

Conditions:
Hereditary cancer-predisposing syndrome. Also called: Hereditary neoplastic syndrome; Neoplastic Syndromes, Hereditary; Tumor predisposition; Hereditary Cancer Syndrome. Identifiers: Orphanet 140162, MedGen C0027672, MeSH D009386, MONDO:0015356.
Familial adenomatous polyposis 1 (FAP1). Also called: POLYPOSIS, ADENOMATOUS INTESTINAL; FAMILIAL ADENOMATOUS POLYPOSIS 1, ATTENUATED. Identifiers: MedGen C2713442, MONDO:0021056, OMIM 175100. Disease mechanism: loss of function.

Allele frequency attached by ClinVar (database versions not stated): gnomAD exomes below 0.00001; TOPMed 0.00001.

Submissions (3):

Labcorp Genetics (formerly Invitae), Labcorp
Classification: Uncertain significance for Familial adenomatous polyposis 1. Last evaluated: 2025-07-30. Review status: criteria provided, single submitter. Criteria: Invitae Variant Classification Sherloc (09022015). Collection method: clinical testing. Allele origin: germline.
Comment: This sequence change replaces methionine, which is neutral and non-polar, with threonine, which is neutral and polar, at codon 2713 of the APC protein (p.Met2713Thr). This variant is present in population databases (no rsID available, gnomAD 0.007%). This variant has not been reported in the literature in individuals affected with APC-related conditions. ClinVar contains an entry for this variant (Variation ID: 470132). Invitae Evidence Modeling of protein sequence and biophysical properties (such as structural, functional, and spatial information, amino acid conservation, physicochemical variation, residue mobility, and thermodynamic stability) indicates that this missense variant is not expected to disrupt APC protein function with a negative predictive value of 95%. In summary, the available evidence is currently insufficient to determine the role of this variant in disease. Therefore, it has been classified as a Variant of Uncertain Significance.

Ambry Genetics
Classification: Uncertain significance for Hereditary cancer-predisposing syndrome. Last evaluated: 2024-09-30. Review status: criteria provided, single submitter. Criteria: Ambry Variant Classification Scheme 2023. Collection method: clinical testing. Allele origin: germline.
Comment: The p.M2713T variant (also known as c.8138T>C), located in coding exon 15 of the APC gene, results from a T to C substitution at nucleotide position 8138. The methionine at codon 2713 is replaced by threonine, an amino acid with similar properties. This amino acid position is poorly conserved in available vertebrate species. In addition, in silico predictors for this gene do not accurately predict pathogenicity. Missense alterations in APC are not a common cause of disease (Spier I et al. Genet Med. 2024 Feb;26(2):100992). Based on the available evidence, the clinical significance of this variant remains unclear.

Women's Health and Genetics/Laboratory Corporation of America, LabCorp
Classification: Uncertain significance. Last evaluated: 2018-07-09. Review status: criteria provided, single submitter. Criteria: LabCorp Variant Classification Summary - May 2015. Collection method: clinical testing. Allele origin: germline.
Comment: Variant summary: APC c.8138T>C (p.Met2713Thr) results in a non-conservative amino acid change located in the EB-1 binding of the encoded protein sequence. Four of five in-silico tools predict a benign effect of the variant on protein function. The variant allele was found at a frequency of 4.1e-06 in 246116 control chromosomes (gnomAD). The available data on variant occurrences in the general population are insufficient to allow any conclusion about variant significance. To our knowledge, no occurrence of c.8138T>C in individuals affected with Familial Adenomatous Polyposis and no experimental evidence demonstrating its impact on protein function have been reported. A ClinVar submission from a clinical diagnostic laboratory (evaluation after 2014) cite the variant as "uncertian significance." Based on the evidence outlined above, the variant was classified as uncertain significance.